The following is an entry in ClinVar:

NM_175914.5(HNF4A):c.*277T>C

Gene: HNF4A (hepatocyte nuclear factor 4 alpha; plus strand). Cytogenetic location: 20q13.12.
Variant type: single nucleotide variant.
Coding change: c.*277T>C on transcript NM_175914.5 (MANE Select); 277 bases downstream of the stop codon, T replaced by C.
Molecular consequence: 3 prime UTR variant.
Genome position (GRCh38, 1-based): chr20:44,429,942, T>C. VCF-style: chr20-44429942-T-C. GRCh37 (hg19) VCF-style: chr20-43058582-T-C.
Other names: c.*277T>C (NM_000457.6, NM_001030003.3, NM_001258355.2 and 3 more transcripts).
Identifiers: ClinVar variation 338438 (VCV000338438.6), dbSNP rs149998598, ClinGen allele CA10643883.

ClinVar aggregate classification (germline): Benign/Likely benign. Review status: criteria provided, multiple submitters, no conflicts (2 of 4 stars). 3 submissions from 2 submitters: Benign (1); Likely benign (2). Last evaluated 2018-01-13.

Conditions:
Familial hyperinsulinism. Also called: Congenital hyperinsulinism. Identifiers: Orphanet 276525, MedGen C3888018, MONDO:0017182. Disease mechanism: loss of function.
Maturity-onset diabetes of the young type 1. Also called: MILD JUVENILE DIABETES MELLITUS; MODY, type I; MODY type 1; Diabetes mellitus MODY type 1; MODY HNF4A related; HNF4A-Related Maturity-Onset Diabetes of the Young Type 1. Identifiers: Orphanet 552, MedGen C1852093, MONDO:0007452, OMIM 125850. Disease mechanism: loss of function.
Maturity-onset diabetes of the young (MODY). Also called: Maturity onset diabetes mellitus in young. Identifiers: Orphanet 552, MedGen C0342276, MONDO:0018911, HP:0004904.

Allele frequency attached by ClinVar (database versions not stated): TOPMed 0.00086; gnomAD 0.00099; 1000 Genomes Project 30x 0.00515; 1000 Genomes Project 0.00579.
gnomAD v4.1: 1,112 of 477,188 alleles (0.23%); highest among the groups gnomAD compares: South Asian, 1.7%; 17 homozygotes.

Submissions (3):

Illumina Laboratory Services, Illumina
Classification: Likely benign for Familial hyperinsulinism. Last evaluated: 2018-01-13. Review status: criteria provided, single submitter. Criteria: ICSL Variant Classification Criteria 13 December 2019. Collection method: clinical testing. Allele origin: germline.
Comment: This variant was observed in the ICSL laboratory as part of a predisposition screen in an ostensibly healthy population. It had not been previously curated by ICSL or reported in the Human Gene Mutation Database (HGMD: prior to June 1st, 2018), and was therefore a candidate for classification through an automated scoring system. Utilizing variant allele frequency, disease prevalence and penetrance estimates, and inheritance mode, an automated score was calculated to assess if this variant is too frequent to cause the disease. Based on the score and internal cut-off values, a variant classified as likely benign is not then subjected to further curation. The score for this variant resulted in a classification of likely benign for this disease.

Illumina Laboratory Services, Illumina
Classification: Benign for Maturity-onset diabetes of the young type 1. Last evaluated: 2018-01-13. Review status: criteria provided, single submitter. Criteria: ICSL Variant Classification Criteria 13 December 2019. Collection method: clinical testing. Allele origin: germline.
Comment: This variant was observed in the ICSL laboratory as part of a predisposition screen in an ostensibly healthy population. It had not been previously curated by ICSL or reported in the Human Gene Mutation Database (HGMD: prior to June 1st, 2018), and was therefore a candidate for classification through an automated scoring system. Utilizing variant allele frequency, disease prevalence and penetrance estimates, and inheritance mode, an automated score was calculated to assess if this variant is too frequent to cause the disease. Based on the score and internal cut-off values, a variant classified as benign is not then subjected to further curation. The score for this variant resulted in a classification of benign for this disease.

Clinical Genomics, Uppaluri K&H Personalized Medicine Clinic
Classification: Likely benign for Maturity-onset diabetes of the young. Review status: criteria provided, single submitter. Criteria: K & H Uppaluri Personalized Medicine Clinic Variant Classification & Assertion Criteria_Updated V.1. Collection method: research. Allele origin: unknown. Inheritance: Autosomal dominant inheritance.
Comment: Potent mutations in HNF4A are associated with poor insulin secretion in response to hyperglycemia. Associated with MODY1. Patients initially respond well to sulfonylureas but eventually become insulin dependent. However, more evidence is required to ascertain the role of this particular variant rs149998598 in MODY, yet.

Literature cited by the submitters: DOI 10.1159/000334532 (cited by Clinical Genomics, Uppaluri K&H Personalized Medicine Clinic); PubMed 18268044 (cited by Clinical Genomics, Uppaluri K&H Personalized Medicine Clinic); PubMed 17563455 (cited by Clinical Genomics, Uppaluri K&H Personalized Medicine Clinic); PubMed 32583173 (cited by Clinical Genomics, Uppaluri K&H Personalized Medicine Clinic); PubMed 35052457 (cited by Clinical Genomics, Uppaluri K&H Personalized Medicine Clinic); PubMed 35118593 (cited by Clinical Genomics, Uppaluri K&H Personalized Medicine Clinic).